The following is an entry in ClinVar:

NM_145262.4(GLYCTK):c.349C>T (p.Arg117Cys)

Gene: GLYCTK (glycerate kinase; plus strand). Cytogenetic location: 3p21.2.
Variant type: single nucleotide variant.
Coding change: c.349C>T on transcript NM_145262.4 (MANE Select); coding-DNA position 349, C replaced by T.
Protein change: p.Arg117Cys; replaces arginine 117 with cysteine.
Molecular consequence: missense variant. On other transcripts: non-coding transcript variant (3).
Genome position (GRCh38, 1-based): chr3:52,290,691, C>T. VCF-style: chr3-52290691-C-T. GRCh37 (hg19) VCF-style: chr3-52324707-C-T.
Other names: c.349C>T, p.Arg117Cys (NM_001144951.2); short protein forms R117C.
Identifiers: ClinVar variation 2414034 (VCV002414034.6), dbSNP rs1348883081, ClinGen allele CA353070257.
Genomic context (GRCh38, chr3:52,290,691, plus strand): 5'-GCTGAGGAACTACTGGGCCAGCATCTTGTGCAGGGCGTGATCAGCGTTCCCAAGGGGATC[C>T]GTGCTGCCATGGAGCGTGCCGGCAAGCAGTAAGGAGCCATGGGGGCCTGCCTCCCTCTAT-3'
Protein context (NP_660305.2, residues 107-127): QGVISVPKGI[Arg117Cys]AAMERAGKQE

ClinVar aggregate classification (germline): Uncertain significance (1 of 4 stars; one submission).

Allele frequency attached by ClinVar (database versions not stated): gnomAD 0.00001; gnomAD exomes 0.00002; TOPMed 0.00002.
gnomAD v4.1: 36 of 1,613,088 alleles (0.0022%); highest among the groups gnomAD compares: Non-Finnish European, 0.0028%; no homozygotes.

Submission:

Labcorp Genetics (formerly Invitae), Labcorp
Classification: Uncertain significance. Last evaluated: 2022-06-26. Review status: criteria provided, single submitter. Criteria: Invitae Variant Classification Sherloc (09022015). Collection method: clinical testing. Allele origin: germline.
Comment: In summary, the available evidence is currently insufficient to determine the role of this variant in disease. Therefore, it has been classified as a Variant of Uncertain Significance. Algorithms developed to predict the effect of missense changes on protein structure and function are either unavailable or do not agree on the potential impact of this missense change (SIFT: "Deleterious"; PolyPhen-2: "Benign"; Align-GVGD: "Class C15"). This variant has not been reported in the literature in individuals affected with GLYCTK-related conditions. This variant is present in population databases (no rsID available, gnomAD 0.003%). This sequence change replaces arginine, which is basic and polar, with cysteine, which is neutral and slightly polar, at codon 117 of the GLYCTK protein (p.Arg117Cys).